The following is an entry in ClinVar:

ClinVar aggregate classification (germline): Likely benign (1 of 4 stars; one submission).

Conditions:
THOC2-related disorder. Also called: THOC2-related condition.

gnomAD v4.1: 39 of 1,131,347 alleles (0.0034%); highest among the groups gnomAD compares: East Asian, 0.0061%; no homozygotes.

Submission:

PreventionGenetics, part of Exact Sciences
Classification: Likely benign for THOC2-related condition. Last evaluated: 2025-11-21. Review status: criteria provided, single submitter. Criteria: ACMG Guidelines, 2015. Collection method: clinical testing. Allele origin: germline.
Comment: This variant is classified as likely benign based on ACMG/AMP sequence variant interpretation guidelines (Richards et al. 2015 PMID: 25741868, with internal and published modifications).

NM_001081550.2(THOC2):c.1428G>A (p.Thr476=)

Gene: THOC2 (THO complex subunit 2; minus strand). Cytogenetic location: Xq25.
Variant type: single nucleotide variant.
Coding change: c.1428G>A on transcript NM_001081550.2 (MANE Select); coding-DNA position 1428, G replaced by A.
Protein change: p.Thr476=; no amino-acid change (threonine 476 retained).
Molecular consequence: synonymous variant.
Genome position (GRCh38, 1-based): chrX:123,645,334, C>T on the plus strand (G>A on the coding strand, the complement: THOC2 is on the minus strand). VCF-style: chrX-123645334-C-T. GRCh37 (hg19) VCF-style: chrX-122779185-C-T.
Other names: c.1428G>A, p.Thr476= (NM_001441235.1, NM_001441236.1).
Identifiers: ClinVar variation 4977088 (VCV004977088.1).
Genomic context (GRCh38, chrX:123,645,334, plus strand): 5'-TGTAATATACTGTAGCAAGACAAACATTAGACACATTATTGGATTTTTCTAGTCTCTTAC[C>T]GTTTTTTCTTTATCTTCTTGTTTGCTTCCATCAGACTGAAACTACAATTTAAAAAAAGAA-3'
Protein context (NP_001075019.1, residues 466-486): DGSKQEDKEK[Thr476=]EVILSCLLSI